The following is an entry in ClinVar:

NM_005762.3(TRIM28):c.1026_1027dup (p.Glu343fs)

Gene: TRIM28 (tripartite motif containing 28; plus strand). Cytogenetic location: 19q13.43.
Variant type: Duplication.
Coding change: c.1026_1027dup on transcript NM_005762.3 (MANE Select); coding-DNA positions 1026 to 1027, 2 bases duplicated (GG; older notation c.1026_1027dupGG).
Protein change: p.Glu343fs; shifts the reading frame from glutamic acid 343.
Molecular consequence: frameshift variant.
Genome position (GRCh38, 1-based): chr19:58,548,105-58,548,106, GG duplicated. VCF-style (leftmost placement, unchanged base first): chr19-58548104-A-AGG. GRCh37 (hg19) VCF-style: chr19-59059471-A-AGG.
Other names: short protein forms E343fs.
Identifiers: ClinVar variation 4717378 (VCV004717378.1).

ClinVar aggregate classification (germline): Pathogenic (1 of 4 stars; one submission).

Submission:

Labcorp Genetics (formerly Invitae), Labcorp
Classification: Pathogenic. Last evaluated: 2025-04-14. Review status: criteria provided, single submitter. Criteria: Invitae Variant Classification Sherloc (09022015). Collection method: clinical testing. Allele origin: germline.
Comment: This sequence change creates a premature translational stop signal (p.Glu343Glyfs*26) in the TRIM28 gene. It is expected to result in an absent or disrupted protein product. Loss-of-function variants in TRIM28 are known to be pathogenic (PMID: 30694527, 30885698). This variant is not present in population databases (gnomAD no frequency). This variant has not been reported in the literature in individuals affected with TRIM28-related conditions. For these reasons, this variant has been classified as Pathogenic.

Literature cited by the submitters: PubMed 30694527; PubMed 30885698.